The following is an entry in ClinVar:

ClinVar aggregate classification (germline): Uncertain significance. Review status: criteria provided, multiple submitters, no conflicts (2 of 4 stars). 2 submissions from 2 submitters: Uncertain significance (2). Last evaluated 2025-07-13.

Conditions:
Brugada syndrome. Also called: Sudden Unexplained Death Syndrome; Sudden Unexplained Nocturnal Death Syndrome (SUNDS); Sudden unexpected nocturnal death syndrome; Sudden unexplained nocturnal death syndrome. Identifiers: Orphanet 130, MedGen C1142166, MONDO:0015263.

Allele frequency attached by ClinVar (database versions not stated): gnomAD 0.00001; gnomAD exomes 0.00001; TOPMed 0.00001; ExAC 0.00002.
gnomAD v4.1: 15 of 1,613,830 alleles (0.00093%); highest among the groups gnomAD compares: Non-Finnish European, 0.0012%; no homozygotes.

Submissions (2):

Labcorp Genetics (formerly Invitae), Labcorp
Classification: Uncertain significance for Brugada syndrome. Last evaluated: 2025-07-13. Review status: criteria provided, single submitter. Criteria: Invitae Variant Classification Sherloc (09022015). Collection method: clinical testing. Allele origin: germline.
Comment: This sequence change replaces glutamine, which is neutral and polar, with leucine, which is neutral and non-polar, at codon 704 of the SLMAP protein (p.Gln704Leu). This variant is present in population databases (rs754097857, gnomAD 0.002%). This variant has not been reported in the literature in individuals affected with SLMAP-related conditions. ClinVar contains an entry for this variant (Variation ID: 1349762). An algorithm developed to predict the effect of missense changes on protein structure and function (PolyPhen-2) suggests that this variant is likely to be tolerated. In summary, the available evidence is currently insufficient to determine the role of this variant in disease. Therefore, it has been classified as a Variant of Uncertain Significance.

Ambry Genetics
Classification: Uncertain significance. Last evaluated: 2025-04-12. Review status: criteria provided, single submitter. Criteria: Ambry Variant Classification Scheme 2023. Collection method: clinical testing. Allele origin: germline.
Comment: The p.Q704L variant (also known as c.2111A>T), located in coding exon 19 of the SLMAP gene, results from an A to T substitution at nucleotide position 2111. The glutamine at codon 704 is replaced by leucine, an amino acid with dissimilar properties. This amino acid position is conserved. In addition, the in silico prediction for this alteration is inconclusive. Since supporting evidence is limited at this time, the clinical significance of this alteration remains unclear.

NM_001377540.1(SLMAP):c.2213A>T (p.Gln738Leu)

Gene: SLMAP (sarcolemma associated protein; plus strand). Cytogenetic location: 3p14.3.
Variant type: single nucleotide variant.
Coding change: c.2213A>T on transcript NM_001377540.1 (MANE Select); coding-DNA position 2213, A replaced by T.
Protein change: p.Gln738Leu; replaces glutamine 738 with leucine.
Molecular consequence: missense variant. On other transcripts: non-coding transcript variant (1).
Genome position (GRCh38, 1-based): chr3:57,916,980, A>T. VCF-style: chr3-57916980-A-T. GRCh37 (hg19) VCF-style: chr3-57902707-A-T.
Other names: c.2162A>T, p.Gln721Leu (NM_001304420.3, NM_001377541.1, NM_001377542.1); c.2048A>T, p.Gln683Leu (NM_001304421.2, NM_001377557.1, NM_001377559.1); c.764A>T, p.Gln255Leu (NM_001304422.3, NM_001311178.2); c.566A>T, p.Gln189Leu (NM_001304423.3); c.641A>T, p.Gln214Leu (NM_001311179.2, NM_001377926.1, NM_001377927.1); c.2234A>T, p.Gln745Leu (NM_001377538.1); c.2213A>T, p.Gln738Leu (NM_001377539.1); c.2150A>T, p.Gln717Leu (NM_001377545.1); and 8 more; short protein forms Q214L, Q683L, Q700L, Q745L, Q642L, Q676L, Q738L, Q255L.
Identifiers: ClinVar variation 1349762 (VCV001349762.11), dbSNP rs754097857, ClinGen allele CA2467321.